The following is an entry in ClinVar:

NM_000179.3(MSH6):c.1068T>C (p.Gly356=)

Gene: MSH6 (mutS homolog 6; plus strand). Cytogenetic location: 2p16.3.
Variant type: single nucleotide variant.
Coding change: c.1068T>C on transcript NM_000179.3 (MANE Select); coding-DNA position 1068, T replaced by C.
Protein change: p.Gly356=; no amino-acid change (glycine 356 retained).
Molecular consequence: synonymous variant.
Genome position (GRCh38, 1-based): chr2:47,799,051, T>C. VCF-style: chr2-47799051-T-C. GRCh37 (hg19) VCF-style: chr2-48026190-T-C.
Other names: c.678T>C, p.Gly226= (NM_001281492.2); c.162T>C, p.Gly54= (NM_001281493.2, NM_001281494.2).
Identifiers: ClinVar variation 183789 (VCV000183789.28), dbSNP rs749752524, ClinGen allele CA007946.

ClinVar aggregate classification (germline): Benign/Likely benign. Review status: criteria provided, multiple submitters, no conflicts (2 of 4 stars). 13 submissions from 13 submitters: Benign (2); Likely benign (10). 1 of the submissions does not count toward it. Last evaluated 2026-01-24.

Conditions:
Hereditary nonpolyposis colorectal neoplasms. Identifiers: MedGen C0009405, MeSH D003123.
MSH6-related disorder. Also called: MSH6-related condition; MSH6-Related disorders.
Hereditary cancer-predisposing syndrome. Also called: Tumor predisposition; Neoplastic Syndromes, Hereditary; Hereditary neoplastic syndrome; Hereditary Cancer Syndrome. Identifiers: Orphanet 140162, MedGen C0027672, MeSH D009386, MONDO:0015356.
Breast and/or ovarian cancer. Identifiers: MedGen CN221562.
Lynch syndrome. Identifiers: Orphanet 144, MedGen C4552100, MONDO:0005835. Disease mechanism: loss of function.
Lynch syndrome 5 (LYNCH5). Also called: Colorectal cancer, hereditary nonpolyposis, type 5; Hereditary non-polyposis colorectal cancer, type 5. Identifiers: Orphanet 144, MedGen C1833477, MONDO:0013710, OMIM 614350. Disease mechanism: loss of function.

Allele frequency attached by ClinVar (database versions not stated): TOPMed 0.00005; ExAC 0.00002; gnomAD exomes 0.00002; gnomAD 0.00003 and 0.00004.
gnomAD v4.1: 29 of 1,614,006 alleles (0.0018%); highest among the groups gnomAD compares: Admixed American, 0.005%; no homozygotes.

Submissions (13):

Labcorp Genetics (formerly Invitae), Labcorp
Classification: Likely benign for Hereditary nonpolyposis colorectal neoplasms. Last evaluated: 2026-01-24. Review status: criteria provided, single submitter. Criteria: Invitae Variant Classification Sherloc (09022015). Collection method: clinical testing. Allele origin: germline.

Center for Genomic Medicine, Rigshospitalet, Copenhagen University Hospital
Classification: Likely benign. Last evaluated: 2025-12-29. Review status: criteria provided, single submitter. Criteria: ACMG Guidelines, 2015. Collection method: clinical testing. Allele origin: germline.

Myriad Genetics, Inc.
Classification: Benign for Lynch syndrome 5. Last evaluated: 2024-12-23. Review status: criteria provided, single submitter. Criteria: Myriad Autosomal Dominant, Autosomal Recessive and X-Linked Classification Criteria (2023). Collection method: clinical testing. Allele origin: unknown.
Comment: This variant is considered benign. This variant is a silent/synonymous amino acid change and it is not expected to impact splicing.

Blueprint Genetics
Classification: Likely benign. Last evaluated: 2024-03-18. Review status: criteria provided, single submitter. Criteria: ACMG Guidelines, 2015. Collection method: clinical testing. Allele origin: germline.

All of Us Research Program, National Institutes of Health
Classification: Likely benign for Lynch syndrome. Last evaluated: 2023-09-04. Review status: criteria provided, single submitter. Criteria: ACMG Guidelines, 2015. Collection method: clinical testing. Allele origin: germline. Inheritance: Autosomal dominant inheritance. Observed: 4 variant alleles, 4 heterozygotes.
Comment: This study involves interpretation of variants in research participants for the purpose of population health screening. Participant phenotype was not available at the time of variant classification. Additional details can be found in publication PMID: 35346344, PMCID: PMC8962531

Quest Diagnostics Nichols Institute San Juan Capistrano
Classification: Likely benign. Last evaluated: 2023-08-25. Review status: criteria provided, single submitter. Criteria: Quest Diagnostics criteria. Collection method: clinical testing. Allele origin: unknown.

CHEO Genetics Diagnostic Laboratory, Children's Hospital of Eastern Ontario
Classification: Likely benign for Breast and/or ovarian cancer. Last evaluated: 2023-06-01. Review status: criteria provided, single submitter. Criteria: ACMG Guidelines, 2015. Collection method: clinical testing. Allele origin: germline.

Women's Health and Genetics/Laboratory Corporation of America, LabCorp
Classification: Likely benign. Last evaluated: 2019-08-29. Review status: criteria provided, single submitter. Criteria: LabCorp Variant Classification Summary - May 2015. Collection method: clinical testing. Allele origin: germline.

GeneKor MSA
Classification: Likely benign for Hereditary cancer-predisposing syndrome. Last evaluated: 2018-08-01. Review status: criteria provided, single submitter. Criteria: ACMG Guidelines, 2015. Collection method: clinical testing. Allele origin: germline. Affected: yes.

Color Diagnostics, LLC DBA Color Health
Classification: Likely benign for Hereditary cancer-predisposing syndrome. Last evaluated: 2016-06-24. Review status: criteria provided, single submitter. Criteria: ACMG Guidelines, 2015. Collection method: clinical testing. Allele origin: germline.

GeneDx
Classification: Benign. Last evaluated: 2015-03-03. Review status: criteria provided, single submitter. Criteria: GeneDx Variant Classification Process June 2021. Collection method: clinical testing. Allele origin: germline. Affected: yes.
Comment: This variant is associated with the following publications: (PMID: 31159747)

Ambry Genetics
Classification: Likely benign for Hereditary cancer-predisposing syndrome. Last evaluated: 2014-12-26. Review status: criteria provided, single submitter. Criteria: Ambry Variant Classification Scheme 2023. Collection method: clinical testing. Allele origin: germline.

PreventionGenetics, part of Exact Sciences
Classification: Likely benign for MSH6-related condition. Last evaluated: 2020-12-04. Review status: no assertion criteria provided. Collection method: clinical testing. Allele origin: germline. Not counted in ClinVar's aggregate classification.
Comment: This variant is classified as likely benign based on ACMG/AMP sequence variant interpretation guidelines (Richards et al. 2015 PMID: 25741868, with internal and published modifications).

Literature cited by the submitters: PubMed 17117178 (cited by Quest Diagnostics Nichols Institute San Juan Capistrano).